The following is an entry in ClinVar:

NM_005807.6(PRG4):c.867TAC[1] (p.Thr292del)

Gene: PRG4 (proteoglycan 4; plus strand). Cytogenetic location: 1q31.1.
Variant type: Microsatellite.
Coding change: c.867TAC[1] on transcript NM_005807.6 (MANE Select); one copy of the 3-base unit TAC starting at c.867; the reference has two copies in a row; one copy, 3 bases deleted.
Protein change: p.Thr292del; deletes threonine 292.
Molecular consequence: inframe deletion.
Genome position (GRCh38, 1-based): chr1:186,306,589-186,306,591, TAC deleted; deleting any 3 consecutive bases within chr1:186,306,584-186,306,591 gives the same sequence; the position shown is the placement nearest the transcript's 3' end. VCF-style (leftmost placement, unchanged base first): chr1-186306583-AACT-A. GRCh37 (hg19) VCF-style: chr1-186275715-AACT-A.
Other names: c.744TAC[1], p.Thr251del (NM_001127708.3); c.588TAC[1], p.Thr199del (NM_001127709.3); c.465TAC[1], p.Thr158del (NM_001127710.3); c.738TAC[1], p.Thr249del (NM_001303232.2); c.870_872delTAC (NM_005807.4); short protein forms T158del, T199del, T249del, T251del, T292del.
Identifiers: ClinVar variation 1292012 (VCV001292012.4), dbSNP rs201326981, ClinGen allele CA1295965.

ClinVar aggregate classification (germline): Benign. Review status: criteria provided, single submitter (1 of 4 stars). 2 submissions from 2 submitters: Benign (1). 1 of the submissions does not count toward it. Last evaluated 2020-01-31.

Conditions:
PRG4-related disorder. Also called: PRG4-related condition.

Submissions (2):

GeneDx
Classification: Benign. Last evaluated: 2020-01-31. Review status: criteria provided, single submitter. Criteria: GeneDx Variant Classification Process June 2021. Collection method: clinical testing. Allele origin: germline. Affected: yes.

PreventionGenetics, part of Exact Sciences
Classification: Benign for PRG4-related condition. Last evaluated: 2023-12-04. Review status: no assertion criteria provided. Collection method: clinical testing. Allele origin: germline. Not counted in ClinVar's aggregate classification.
Comment: This variant is classified as benign based on ACMG/AMP sequence variant interpretation guidelines (Richards et al. 2015 PMID: 25741868, with internal and published modifications).